The following is an entry in ClinVar:

NM_199355.4(ADAMTS18):c.3536_3548delinsGA (p.Ala1179fs)

Genes: ADAMTS18 (ADAM metallopeptidase with thrombospondin type 1 motif 18; minus strand), LOC126862407 (CDK7 strongly-dependent group 2 enhancer GRCh37_chr16:77322970-77324169; plus strand). Cytogenetic location: 16q23.1.
Variant type: Indel.
Coding change: c.3536_3548delinsGA on transcript NM_199355.4 (MANE Select); coding-DNA positions 3536 to 3548, CTCCTGAAAAGAG replaced by GA.
Protein change: p.Ala1179fs; shifts the reading frame from alanine 1179.
Molecular consequence: frameshift variant.
Genome position (GRCh38, 1-based): chr16:77,289,266-77,289,278, CTCTTTTCAGGAG replaced by TC on the plus strand (CTCCTGAAAAGAG replaced by GA on the coding strand, the reverse complement: ADAMTS18 is on the minus strand). VCF-style: chr16-77289266-CTCTTTTCAGGAG-TC. GRCh37 (hg19) VCF-style: chr16-77323163-CTCTTTTCAGGAG-TC.
Other names: c.3020_3032delinsGA, p.Ala1007fs (NM_001326358.2); short protein forms A1007fs, A1179fs.
Identifiers: ClinVar variation 1946733 (VCV001946733.5), dbSNP rs2543567920, ClinGen allele CA2580092112.

ClinVar aggregate classification (germline): Uncertain significance (1 of 4 stars; one submission).

Submission:

Labcorp Genetics (formerly Invitae), Labcorp
Classification: Uncertain significance. Last evaluated: 2022-02-22. Review status: criteria provided, single submitter. Criteria: Invitae Variant Classification Sherloc (09022015). Collection method: clinical testing. Allele origin: germline.
Comment: Algorithms developed to predict the effect of sequence changes on RNA splicing suggest that this variant may disrupt the consensus splice site. Experimental studies and prediction algorithms are not available or were not evaluated, and the functional significance of this variant is currently unknown. This variant has not been reported in the literature in individuals affected with ADAMTS18-related conditions. This variant is not present in population databases (gnomAD no frequency). This sequence change creates a premature translational stop signal (p.Ala1179Glyfs*49) in the ADAMTS18 gene. While this is not anticipated to result in nonsense mediated decay, it is expected to disrupt the last 43 amino acid(s) of the ADAMTS18 protein. In summary, the available evidence is currently insufficient to determine the role of this variant in disease. Therefore, it has been classified as a Variant of Uncertain Significance.